The following is an entry in ClinVar:

NM_024426.6(WT1):c.340G>A (p.Ala114Thr)

Genes: WT1 (WT1 transcription factor; minus strand), LOC107982234 (WT1/WT1-AS bi-directional promoter region; plus strand). Cytogenetic location: 11p13.
Variant type: single nucleotide variant.
Coding change: c.340G>A on transcript NM_024426.6 (MANE Select); coding-DNA position 340, G replaced by A.
Protein change: p.Ala114Thr; replaces alanine 114 with threonine.
Molecular consequence: missense variant. On other transcripts: non-coding transcript variant (1).
Genome position (GRCh38, 1-based): chr11:32,435,021, C>T on the plus strand (G>A on the coding strand, the complement: WT1 is on the minus strand). VCF-style: chr11-32435021-C-T. GRCh37 (hg19) VCF-style: chr11-32456567-C-T.
Other names: c.340G>A, p.Ala114Thr (NM_000378.6, NM_024424.5); short protein forms A114T.
Identifiers: ClinVar variation 662403 (VCV000662403.9), dbSNP rs1590410300, ClinGen allele CA379965891.

ClinVar aggregate classification (germline): Uncertain significance (1 of 4 stars; one submission).

Conditions:
Frasier syndrome. Identifiers: Orphanet 347, MedGen C0950122, MeSH D052159, MONDO:0007635, OMIM 136680.
Drash syndrome (DDS). Also called: WILMS TUMOR AND PSEUDO- OR TRUE HERMAPHRODITISM; NEPHROPATHY, WILMS TUMOR, AND GENITAL ANOMALIES. Identifiers: Orphanet 220, MedGen C0950121, MONDO:0008682, OMIM 194080.
Wilms tumor 1 (WT1). Also called: Wilms tumor, somatic. Identifiers: Orphanet 654, MedGen CN033288, MONDO:0008679, OMIM 194070.
11p partial monosomy syndrome (WAGR). Also called: CHROMOSOME 11p13 DELETION SYNDROME; WAGR Complex; WAGR Spectrum Disorder; WAGR syndrome. Identifiers: Orphanet 893, MedGen C0206115, MONDO:0008681, OMIM 194072.

Submission:

Labcorp Genetics (formerly Invitae), Labcorp
Classification: Uncertain significance for Wilms tumor 1; Drash syndrome; 11p partial monosomy syndrome; Frasier syndrome. Last evaluated: 2018-12-16. Review status: criteria provided, single submitter. Criteria: Invitae Variant Classification Sherloc (09022015). Collection method: clinical testing. Allele origin: germline.
Comment: In summary, the available evidence is currently insufficient to determine the role of this variant in disease. Therefore, it has been classified as a Variant of Uncertain Significance. Algorithms developed to predict the effect of missense changes on protein structure and function are either unavailable or do not agree on the potential impact of this missense change (SIFT: "Deleterious"; PolyPhen-2: "Benign"; Align-GVGD: "Class C0"). This variant has not been reported in the literature in individuals with WT1-related conditions. The frequency data for this variant in the population databases is considered unreliable, as metrics indicate insufficient coverage at this position in the ExAC database. This sequence change replaces alanine with threonine at codon 109 of the WT1 protein (p.Ala109Thr). The alanine residue is moderately conserved and there is a small physicochemical difference between alanine and threonine.